The following is an entry in ClinVar:

ClinVar aggregate classification (germline): Uncertain significance. Review status: criteria provided, multiple submitters, no conflicts (2 of 4 stars). 2 submissions from 2 submitters: Uncertain significance (2). Last evaluated 2023-06-30.

Allele frequency attached by ClinVar (database versions not stated): gnomAD 0.00001; gnomAD exomes 0.00003; 1000 Genomes Project 30x 0.00016; 1000 Genomes Project 0.00020; ExAC 0.00093.
gnomAD v4.1: 27 of 1,447,380 alleles (0.0019%); highest among the groups gnomAD compares: South Asian, 0.039%; no homozygotes.

Submissions (2):

Labcorp Genetics (formerly Invitae), Labcorp
Classification: Uncertain significance. Last evaluated: 2023-06-30. Review status: criteria provided, single submitter. Criteria: Invitae Variant Classification Sherloc (09022015). Collection method: clinical testing. Allele origin: germline.
Comment: In summary, the available evidence is currently insufficient to determine the role of this variant in disease. Therefore, it has been classified as a Variant of Uncertain Significance. An algorithm developed to predict the effect of missense changes on protein structure and function (PolyPhen-2) suggests that this variant is likely to be tolerated. ClinVar contains an entry for this variant (Variation ID: 804813). This variant has not been reported in the literature in individuals affected with FLVCR1-related conditions. This variant is present in population databases (rs543847452, gnomAD 0.03%). This sequence change replaces proline, which is neutral and non-polar, with alanine, which is neutral and non-polar, at codon 17 of the FLVCR1 protein (p.Pro17Ala).

Athena Diagnostics
Classification: Uncertain significance. Last evaluated: 2018-09-17. Review status: criteria provided, single submitter. Criteria: Athena Diagnostics Criteria. Collection method: clinical testing. Allele origin: germline.

NM_014053.4(FLVCR1):c.49C>G (p.Pro17Ala)

Gene: FLVCR1 (FLVCR choline and heme transporter 1; plus strand). Cytogenetic location: 1q32.3.
Variant type: single nucleotide variant.
Coding change: c.49C>G on transcript NM_014053.4 (MANE Select); coding-DNA position 49, C replaced by G.
Protein change: p.Pro17Ala; replaces proline 17 with alanine.
Molecular consequence: missense variant.
Genome position (GRCh38, 1-based): chr1:212,858,501, C>G. VCF-style: chr1-212858501-C-G. GRCh37 (hg19) VCF-style: chr1-213031843-C-G.
Other names: short protein forms P17A.
Identifiers: ClinVar variation 804813 (VCV000804813.10), dbSNP rs543847452, ClinGen allele CA1385827.